The following is an entry in ClinVar:

ClinVar aggregate classification (germline): Uncertain significance. Review status: criteria provided, multiple submitters, no conflicts (2 of 4 stars). 2 submissions from 2 submitters: Uncertain significance (2). Last evaluated 2025-10-18.

Conditions:
MBOAT7-related disorder. Also called: MBOAT7-related condition.
Intellectual developmental disorder, autosomal recessive 57. Also called: Intellectual disability, autosomal recessive 57. Identifiers: MedGen C4310673, MONDO:0014962, OMIM 617188.

Allele frequency attached by ClinVar (database versions not stated): gnomAD 0.00004; TOPMed 0.00004.
gnomAD v4.1: 97 of 1,613,384 alleles (0.006%); highest among the groups gnomAD compares: South Asian, 0.046%; 1 homozygote.

Submissions (2):

PreventionGenetics, part of Exact Sciences
Classification: Uncertain significance for MBOAT7-related condition. Last evaluated: 2025-10-18. Review status: criteria provided, single submitter. Criteria: ACMG Guidelines, 2015. Collection method: clinical testing. Allele origin: germline.
Comment: The MBOAT7 c.1151G>A variant is predicted to result in the amino acid substitution p.Arg384Gln. To our knowledge, this variant has not been reported in the literature. This variant is present in 0.033% of alleles in individuals of South Asian descent in gnomAD. At this time, the clinical significance of this variant is uncertain due to the absence of conclusive functional and genetic evidence.

Genomic Research Center, Shahid Beheshti University of Medical Sciences
Classification: Uncertain significance for Intellectual developmental disorder, autosomal recessive 57. Last evaluated: 2018-03-05. Review status: criteria provided, single submitter. Criteria: ACMG Guidelines, 2015. Collection method: clinical testing. Allele origin: inherited. Affected: no. Observed: 1 variant allele.

NM_024298.5(MBOAT7):c.1151G>A (p.Arg384Gln)

Gene: MBOAT7 (membrane bound acylglycerophosphatidylinositol O-acyltransferase MBOAT7; minus strand). Cytogenetic location: 19q13.42.
Variant type: single nucleotide variant.
Coding change: c.1151G>A on transcript NM_024298.5 (MANE Select); coding-DNA position 1151, G replaced by A.
Protein change: p.Arg384Gln; replaces arginine 384 with glutamine.
Molecular consequence: missense variant.
Genome position (GRCh38, 1-based): chr19:54,174,312, C>T on the plus strand (G>A on the coding strand, the complement: MBOAT7 is on the minus strand). VCF-style: chr19-54174312-C-T. GRCh37 (hg19) VCF-style: chr19-54678006-C-T.
Other names: c.932G>A, p.Arg311Gln (NM_001146056.3, NM_001146083.3); short protein forms R384Q, R311Q.
Identifiers: ClinVar variation 548624 (VCV000548624.6), dbSNP rs545959971, ClinGen allele CA309345264.